The following is an entry in ClinVar:

NM_058179.4(PSAT1):c.731C>T (p.Pro244Leu)

Gene: PSAT1 (phosphoserine aminotransferase 1; plus strand). Cytogenetic location: 9q21.2.
Variant type: single nucleotide variant.
Coding change: c.731C>T on transcript NM_058179.4 (MANE Select); coding-DNA position 731, C replaced by T.
Protein change: p.Pro244Leu; replaces proline 244 with leucine.
Molecular consequence: missense variant.
Genome position (GRCh38, 1-based): chr9:78,308,574, C>T. VCF-style: chr9-78308574-C-T. GRCh37 (hg19) VCF-style: chr9-80923490-C-T.
Other names: c.731C>T, p.Pro244Leu (NM_021154.5); short protein forms P244L.
Identifiers: ClinVar variation 1485772 (VCV001485772.5), dbSNP rs1240087899, ClinGen allele CA373874521.

ClinVar aggregate classification (germline): Uncertain significance (1 of 4 stars; one submission).

Conditions:
Neu-Laxova syndrome 2. Identifiers: Orphanet 2671, Orphanet 583602, MedGen C4015019, MONDO:0014466, OMIM 616038.

Allele frequency attached by ClinVar (database versions not stated): gnomAD exomes below 0.00001; TOPMed 0.00001.
gnomAD v4.1: 2 of 1,614,072 alleles (0.00012%); highest among the groups gnomAD compares: Non-Finnish European, 0.00017%; no homozygotes.

Submission:

Labcorp Genetics (formerly Invitae), Labcorp
Classification: Uncertain significance for Neu-Laxova syndrome 2. Last evaluated: 2021-08-27. Review status: criteria provided, single submitter. Criteria: Invitae Variant Classification Sherloc (09022015). Collection method: clinical testing. Allele origin: germline.
Comment: This sequence change replaces proline with leucine at codon 244 of the PSAT1 protein (p.Pro244Leu). The proline residue is highly conserved and there is a moderate physicochemical difference between proline and leucine. This variant is not present in population databases (ExAC no frequency). This variant has not been reported in the literature in individuals affected with PSAT1-related conditions. Algorithms developed to predict the effect of missense changes on protein structure and function are either unavailable or do not agree on the potential impact of this missense change (SIFT: "Deleterious"; PolyPhen-2: "Probably Damaging"; Align-GVGD: "Class C0"). In summary, the available evidence is currently insufficient to determine the role of this variant in disease. Therefore, it has been classified as a Variant of Uncertain Significance.